The following is an entry in ClinVar:

ClinVar aggregate classification (germline): Uncertain significance (1 of 4 stars; one submission).

Conditions:
Thrombophilia due to protein S deficiency, autosomal recessive (THPH6). Identifiers: Orphanet 743, MedGen C3281092, MONDO:0013791, OMIM 614514. Disease mechanism: loss of function.

Allele frequency attached by ClinVar (database versions not stated): gnomAD exomes 0.00001; TOPMed 0.00001.
gnomAD v4.1: 3 of 1,614,062 alleles (0.00019%); highest among the groups gnomAD compares: Admixed American, 0.0017%; no homozygotes.

Submission:

Labcorp Genetics (formerly Invitae), Labcorp
Classification: Uncertain significance for Thrombophilia due to protein S deficiency, autosomal recessive. Last evaluated: 2023-10-24. Review status: criteria provided, single submitter. Criteria: Invitae Variant Classification Sherloc (09022015). Collection method: clinical testing. Allele origin: germline.
Comment: This sequence change replaces leucine, which is neutral and non-polar, with phenylalanine, which is neutral and non-polar, at codon 539 of the PROS1 protein (p.Leu539Phe). This variant is present in population databases (no rsID available, gnomAD 0.003%). This variant has not been reported in the literature in individuals affected with PROS1-related conditions. Advanced modeling of protein sequence and biophysical properties (such as structural, functional, and spatial information, amino acid conservation, physicochemical variation, residue mobility, and thermodynamic stability) performed at Invitae indicates that this missense variant is not expected to disrupt PROS1 protein function with a negative predictive value of 80%. In summary, the available evidence is currently insufficient to determine the role of this variant in disease. Therefore, it has been classified as a Variant of Uncertain Significance.

NM_000313.4(PROS1):c.1617G>T (p.Leu539Phe)

Gene: PROS1 (protein S; minus strand). Cytogenetic location: 3q11.1.
Variant type: single nucleotide variant.
Coding change: c.1617G>T on transcript NM_000313.4 (MANE Select); coding-DNA position 1617, G replaced by T.
Protein change: p.Leu539Phe; replaces leucine 539 with phenylalanine.
Molecular consequence: missense variant.
Genome position (GRCh38, 1-based): chr3:93,879,190, C>A on the plus strand (G>T on the coding strand, the complement: PROS1 is on the minus strand). VCF-style: chr3-93879190-C-A. GRCh37 (hg19) VCF-style: chr3-93598034-C-A.
Other names: c.1713G>T, p.Leu571Phe (NM_001314077.2); short protein forms L539F, L571F.
Identifiers: ClinVar variation 2917136 (VCV002917136.2), dbSNP rs1338128189, ClinGen allele CA353671735.